The following is an entry in ClinVar:

ClinVar aggregate classification (germline): Uncertain significance (1 of 4 stars; one submission).

Allele frequency attached by ClinVar (database versions not stated): gnomAD exomes below 0.00001; TOPMed below 0.00001; gnomAD 0.00001.
gnomAD v4.1: 3 of 1,612,624 alleles (0.00019%); highest among the groups gnomAD compares: East Asian, 0.0022%; no homozygotes.

Submission:

Labcorp Genetics (formerly Invitae), Labcorp
Classification: Uncertain significance. Last evaluated: 2023-04-06. Review status: criteria provided, single submitter. Criteria: Invitae Variant Classification Sherloc (09022015). Collection method: clinical testing. Allele origin: germline.
Comment: In summary, the available evidence is currently insufficient to determine the role of this variant in disease. Therefore, it has been classified as a Variant of Uncertain Significance. Variants that disrupt the consensus splice site are a relatively common cause of aberrant splicing (PMID: 17576681, 9536098). Algorithms developed to predict the effect of sequence changes on RNA splicing suggest that this variant is not likely to affect RNA splicing. This variant has not been reported in the literature in individuals affected with GNA11-related conditions. This variant is present in population databases (no rsID available, gnomAD 0.006%). This sequence change falls in intron 6 of the GNA11 gene. It does not directly change the encoded amino acid sequence of the GNA11 protein. It affects a nucleotide within the consensus splice site.

Literature cited by the submitters: PubMed 17576681; PubMed 9536098.

NM_002067.5(GNA11):c.889+6C>T

Gene: GNA11 (G protein subunit alpha 11; plus strand). Cytogenetic location: 19p13.3.
Variant type: single nucleotide variant.
Coding change: c.889+6C>T on transcript NM_002067.5 (MANE Select); 6 bases into the intron after coding-DNA position 889, C replaced by T.
Molecular consequence: intron variant.
Genome position (GRCh38, 1-based): chr19:3,119,365, C>T. VCF-style: chr19-3119365-C-T. GRCh37 (hg19) VCF-style: chr19-3119363-C-T.
Identifiers: ClinVar variation 2973496 (VCV002973496.3), dbSNP rs761737173, ClinGen allele CA631710920.